The following is an entry in ClinVar:

NM_004977.3(KCNC3):c.1707G>T (p.Pro569=)

Gene: KCNC3 (potassium voltage-gated channel subfamily C member 3; minus strand). Cytogenetic location: 19q13.33.
Variant type: single nucleotide variant.
Coding change: c.1707G>T on transcript NM_004977.3 (MANE Select); coding-DNA position 1707, G replaced by T.
Protein change: p.Pro569=; no amino-acid change (proline 569 retained).
Molecular consequence: synonymous variant.
Genome position (GRCh38, 1-based): chr19:50,323,246, C>A on the plus strand (G>T on the coding strand, the complement: KCNC3 is on the minus strand). VCF-style: chr19-50323246-C-A. GRCh37 (hg19) VCF-style: chr19-50826503-C-A.
Other names: c.1479G>T, p.Pro493= (NM_001372305.1).
Identifiers: ClinVar variation 4682452 (VCV004682452.1).

ClinVar aggregate classification (germline): Likely benign (1 of 4 stars; one submission).

Submission:

Athena Diagnostics
Classification: Likely benign. Last evaluated: 2025-01-21. Review status: criteria provided, single submitter. Criteria: Athena Diagnostics Criteria. Collection method: clinical testing. Allele origin: unknown.
Comment: This variant has not been reported in large, multi-ethnic general populations. Computational tools yielded predictions that this variant is unlikely to have an effect on normal RNA splicing. This nucleotide position exhibits low evolutionary conservation. This variant has been seen where an alternate explanation for disease was also identified.